The following is an entry in ClinVar:

NM_004725.4(BUB3):c.179T>C (p.Leu60Pro)

Gene: BUB3 (BUB3 mitotic checkpoint protein; plus strand). Cytogenetic location: 10q26.13.
Variant type: single nucleotide variant.
Coding change: c.179T>C on transcript NM_004725.4 (MANE Select); coding-DNA position 179, T replaced by C.
Protein change: p.Leu60Pro; replaces leucine 60 with proline.
Molecular consequence: missense variant.
Genome position (GRCh38, 1-based): chr10:123,155,096, T>C. VCF-style: chr10-123155096-T-C. GRCh37 (hg19) VCF-style: chr10-124914612-T-C.
Other names: c.179T>C, p.Leu60Pro (NM_001007793.3); short protein forms L60P.
Identifiers: ClinVar variation 3224492 (VCV003224492.1), dbSNP rs2493755632, ClinGen allele CA378625101.

ClinVar aggregate classification (germline): Uncertain significance (1 of 4 stars; one submission).

Submission:

Ambry Genetics
Classification: Uncertain significance. Last evaluated: 2024-01-11. Review status: criteria provided, single submitter. Criteria: Ambry Variant Classification Scheme 2023. Collection method: clinical testing. Allele origin: germline.
Comment: The p.L60P variant (also known as c.179T>C), located in coding exon 1 of the BUB3 gene, results from a T to C substitution at nucleotide position 179. The leucine at codon 60 is replaced by proline, an amino acid with similar properties. This amino acid position is conserved. In addition, this alteration is predicted to be deleterious by in silico analysis. Since supporting evidence is limited at this time, the clinical significance of this alteration remains unclear.